The following is an entry in ClinVar:

NM_001105206.3(LAMA4):c.195G>A (p.Glu65=)

Genes: LAMA4 (laminin subunit alpha 4; minus strand), LAMA4-AS1 (LAMA4 antisense RNA 1; plus strand). Cytogenetic location: 6q21.
Variant type: single nucleotide variant.
Coding change: c.195G>A on transcript NM_001105206.3 (MANE Select); coding-DNA position 195, G replaced by A.
Protein change: p.Glu65=; no amino-acid change (glutamic acid 65 retained).
Molecular consequence: synonymous variant.
Genome position (GRCh38, 1-based): chr6:112,253,956, C>T on the plus strand (G>A on the coding strand, the complement: LAMA4 is on the minus strand). VCF-style: chr6-112253956-C-T. GRCh37 (hg19) VCF-style: chr6-112575158-C-T.
Other names: c.195G>A, p.Glu65= (NM_001105207.3, NM_001105208.3, NM_001105209.3 and 1 more transcripts).
Identifiers: ClinVar variation 3619069 (VCV003619069.2).

ClinVar aggregate classification (germline): Uncertain significance (1 of 4 stars; one submission).

Conditions:
Dilated cardiomyopathy 1JJ (CMD1JJ). Identifiers: Orphanet 154, MedGen C3808935, MONDO:0014095, OMIM 615235.

gnomAD v4.1: 1 of 1,597,858 alleles (0.000063%); highest among the groups gnomAD compares: Non-Finnish European, 0.000085%; no homozygotes.

Submission:

Labcorp Genetics (formerly Invitae), Labcorp
Classification: Uncertain significance for Dilated cardiomyopathy 1JJ. Last evaluated: 2024-06-18. Review status: criteria provided, single submitter. Criteria: Invitae Variant Classification Sherloc (09022015). Collection method: clinical testing. Allele origin: germline.
Comment: This sequence change affects codon 65 of the LAMA4 mRNA. It is a 'silent' change, meaning that it does not change the encoded amino acid sequence of the LAMA4 protein. This variant also falls at the last nucleotide of exon 2, which is part of the consensus splice site for this exon. This variant is present in population databases (no rsID available, gnomAD 0.007%). This variant has not been reported in the literature in individuals affected with LAMA4-related conditions. Variants that disrupt the consensus splice site are a relatively common cause of aberrant splicing (PMID: 17576681, 9536098). Algorithms developed to predict the effect of sequence changes on RNA splicing suggest that this variant may disrupt the consensus splice site. In summary, the available evidence is currently insufficient to determine the role of this variant in disease. Therefore, it has been classified as a Variant of Uncertain Significance.

Literature cited by the submitters: PubMed 17576681; PubMed 9536098.